The following is an entry in ClinVar:

ClinVar aggregate classification (germline): Uncertain significance (1 of 4 stars; one submission).

Conditions:
Inborn genetic diseases. Identifiers: MedGen C0950123, MeSH D030342.

Allele frequency attached by ClinVar (database versions not stated): gnomAD exomes below 0.00001.
gnomAD v4.1: 2 of 1,530,842 alleles (0.00013%); highest among the groups gnomAD compares: Non-Finnish European, 0.00017%; no homozygotes.

Submission:

Ambry Genetics
Classification: Uncertain significance for Inborn genetic diseases. Last evaluated: 2023-08-01. Review status: criteria provided, single submitter. Criteria: Ambry Variant Classification Scheme 2023. Collection method: clinical testing. Allele origin: germline.
Comment: The c.2300G>C (p.C767S) alteration is located in exon 11 (coding exon 11) of the PKD1 gene. This alteration results from a G to C substitution at nucleotide position 2300, causing the cysteine (C) at amino acid position 767 to be replaced by a serine (S). This variant was not reported in population-based cohorts in the Genome Aggregation Database (gnomAD). This amino acid position is highly conserved in available vertebrate species. The in silico prediction for this alteration is inconclusive. Based on insufficient or conflicting evidence, the clinical significance of this alteration remains unclear.

NM_001009944.3(PKD1):c.2300G>C (p.Cys767Ser)

Gene: PKD1 (polycystin 1, transient receptor potential channel interacting; minus strand). Cytogenetic location: 16p13.3.
Variant type: single nucleotide variant.
Coding change: c.2300G>C on transcript NM_001009944.3 (MANE Select); coding-DNA position 2300, G replaced by C.
Protein change: p.Cys767Ser; replaces cysteine 767 with serine.
Molecular consequence: missense variant.
Genome position (GRCh38, 1-based): chr16:2,114,723, C>G on the plus strand (G>C on the coding strand, the complement: PKD1 is on the minus strand). VCF-style: chr16-2114723-C-G. GRCh37 (hg19) VCF-style: chr16-2164724-C-G.
Other names: c.2300G>C, p.Cys767Ser (NM_000296.4); short protein forms C767S.
Identifiers: ClinVar variation 2611769 (VCV002611769.2), dbSNP rs2544855190, ClinGen allele CA394388262.
Genomic context (GRCh38, chr16:2,114,723, plus strand): 5'-TTGGGCCTCAAGCCCAGCAGCACGGTGAGCTGTTCCGTGGCTGCAAGCAGCCGCAGGGCA[C>G]AGGCAGGGCAGGCCCAAGTGCCCTCCAGCTGGGCTGGCAAGTGGGGCAGCCATGACGAGG-3'
Protein context (NP_001009944.3, residues 757-777): QLEGTWACPA[Cys767Ser]ALRLLAATEQ